The following is an entry in ClinVar:

NM_032816.5(CEP89):c.634C>T (p.Pro212Ser)

Gene: CEP89 (centrosomal protein 89; minus strand). Cytogenetic location: 19q13.11.
Variant type: single nucleotide variant.
Coding change: c.634C>T on transcript NM_032816.5 (MANE Select); coding-DNA position 634, C replaced by T.
Protein change: p.Pro212Ser; replaces proline 212 with serine.
Molecular consequence: missense variant.
Genome position (GRCh38, 1-based): chr19:32,937,664, G>A on the plus strand (C>T on the coding strand, the complement: CEP89 is on the minus strand). VCF-style: chr19-32937664-G-A. GRCh37 (hg19) VCF-style: chr19-33428570-G-A.
Other names: short protein forms P212S.
Identifiers: ClinVar variation 2032757 (VCV002032757.4), dbSNP rs774006035, ClinGen allele CA405206874.

ClinVar aggregate classification (germline): Uncertain significance (1 of 4 stars; one submission).

Submission:

Labcorp Genetics (formerly Invitae), Labcorp
Classification: Uncertain significance. Last evaluated: 2022-09-27. Review status: criteria provided, single submitter. Criteria: Invitae Variant Classification Sherloc (09022015). Collection method: clinical testing. Allele origin: germline.
Comment: This sequence change replaces proline, which is neutral and non-polar, with serine, which is neutral and polar, at codon 212 of the CEP89 protein (p.Pro212Ser). This variant is not present in population databases (gnomAD no frequency). This variant has not been reported in the literature in individuals affected with CEP89-related conditions. Algorithms developed to predict the effect of missense changes on protein structure and function (SIFT, PolyPhen-2, Align-GVGD) all suggest that this variant is likely to be tolerated. In summary, the available evidence is currently insufficient to determine the role of this variant in disease. Therefore, it has been classified as a Variant of Uncertain Significance.